The following is an entry in ClinVar:

ClinVar aggregate classification (germline): Conflicting classifications of pathogenicity. Review status: criteria provided, conflicting classifications (1 of 4 stars). 7 submissions from 7 submitters: Uncertain significance (2); Likely benign (4). 1 of the submissions does not count toward it. Last evaluated 2026-01-26.

Conditions:
Nemaline myopathy 2 (NEM2). Also called: Nemaline myopathy 2, autosomal recessive. Identifiers: MedGen C1850569, MONDO:0009725, OMIM 256030.

Allele frequency attached by ClinVar (database versions not stated): ExAC 0.00006; gnomAD exomes 0.00006; TOPMed 0.00012; 1000 Genomes Project 30x 0.00016; gnomAD 0.00017 and 0.00019.
gnomAD v4.1: 167 of 1,613,940 alleles (0.01%); highest among the groups gnomAD compares: Middle Eastern, 0.016%; no homozygotes.

Submissions (7):

Labcorp Genetics (formerly Invitae), Labcorp
Classification: Likely benign for Nemaline myopathy 2. Last evaluated: 2026-01-26. Review status: criteria provided, single submitter. Criteria: Invitae Variant Classification Sherloc (09022015). Collection method: clinical testing. Allele origin: germline.

Mayo Clinic Laboratories, Mayo Clinic
Classification: Likely benign. Last evaluated: 2025-07-10. Review status: criteria provided, single submitter. Criteria: ACMG Guidelines, 2015. Collection method: clinical testing. Allele origin: germline. Observed: 1 variant allele.
Comment: BP4, BP7

Blueprint Genetics
Classification: Likely benign. Last evaluated: 2024-11-22. Review status: criteria provided, single submitter. Criteria: ACMG Guidelines, 2015. Collection method: clinical testing. Allele origin: germline.

Revvity Omics, Revvity
Classification: Likely benign. Last evaluated: 2024-03-04. Review status: criteria provided, single submitter. Criteria: ACMG Guidelines, 2015. Collection method: clinical testing. Allele origin: germline.

Illumina Laboratory Services, Illumina
Classification: Uncertain significance for Nemaline myopathy 2. Last evaluated: 2018-01-13. Review status: criteria provided, single submitter. Criteria: ICSL Variant Classification Criteria 13 December 2019. Collection method: clinical testing. Allele origin: germline.

Eurofins Ntd Llc (ga)
Classification: Uncertain significance. Last evaluated: 2014-12-23. Review status: criteria provided, single submitter. Criteria: EGL Classification Definitions 2015. Collection method: clinical testing. Allele origin: germline. Observed: 1 variant allele, 1 heterozygote.

Natera, Inc.
Classification: Likely benign for Nemaline myopathy type 2. Last evaluated: 2020-09-16. Review status: no assertion criteria provided. Collection method: clinical testing. Allele origin: germline. Not counted in ClinVar's aggregate classification.

NM_001164508.2(NEB):c.4149C>T (p.Thr1383=)

Gene: NEB (nebulin; minus strand). Cytogenetic location: 2q23.3.
Variant type: single nucleotide variant.
Coding change: c.4149C>T on transcript NM_001164508.2 (MANE Select); coding-DNA position 4149, C replaced by T.
Protein change: p.Thr1383=; no amino-acid change (threonine 1383 retained).
Molecular consequence: synonymous variant.
Genome position (GRCh38, 1-based): chr2:151,672,519, G>A on the plus strand (C>T on the coding strand, the complement: NEB is on the minus strand). VCF-style: chr2-151672519-G-A. GRCh37 (hg19) VCF-style: chr2-152529033-G-A.
Other names: p.Thr1383=; c.4149C>T, p.Thr1383= (NM_001164507.2, NM_001271208.2, NM_004543.5).
Identifiers: ClinVar variation 197007 (VCV000197007.26), dbSNP rs148794372, ClinGen allele CA244888.